The following is an entry in ClinVar:

NM_002691.4(POLD1):c.1717G>T (p.Val573Leu)

Gene: POLD1 (DNA polymerase delta 1, catalytic subunit; plus strand). Cytogenetic location: 19q13.33.
Variant type: single nucleotide variant.
Coding change: c.1717G>T on transcript NM_002691.4 (MANE Select); coding-DNA position 1717, G replaced by T.
Protein change: p.Val573Leu; replaces valine 573 with leucine.
Molecular consequence: missense variant. On other transcripts: non-coding transcript variant (1).
Genome position (GRCh38, 1-based): chr19:50,407,357, G>T. VCF-style: chr19-50407357-G-T. GRCh37 (hg19) VCF-style: chr19-50910614-G-T.
Other names: c.1717G>T, p.Val573Leu (NM_001256849.1, NM_001308632.1); c.1717G>T (NM_002691.2); short protein forms V573L.
Identifiers: ClinVar variation 469213 (VCV000469213.13), dbSNP rs760616076, ClinGen allele CA9596242.

ClinVar aggregate classification (germline): Conflicting classifications of pathogenicity. Review status: criteria provided, conflicting classifications (1 of 4 stars). 5 submissions from 5 submitters: Uncertain significance (4); Likely benign (1). Last evaluated 2026-01-30.

Conditions:
Hereditary cancer-predisposing syndrome. Also called: Neoplastic Syndromes, Hereditary; Hereditary neoplastic syndrome; Tumor predisposition; Hereditary Cancer Syndrome. Identifiers: Orphanet 140162, MedGen C0027672, MeSH D009386, MONDO:0015356.
Mandibular hypoplasia-deafness-progeroid syndrome. Also called: Mandibular hypoplasia, deafness, progeroid features, and lipodystrophy syndrome. Identifiers: Orphanet 363649, MedGen C3715192, MONDO:0014157, OMIM 615381.
POLD1-related polyposis and colorectal cancer syndrome (CRCS10). Also called: Colorectal cancer 10; COLORECTAL CANCER, SUSCEPTIBILITY TO, ON CHROMOSOME 19q; Colorectal cancer, susceptibility to, 10. Identifiers: Orphanet 220460, MedGen C2675481, MONDO:0012953, OMIM 612591.

Allele frequency attached by ClinVar (database versions not stated): gnomAD 0.00001; TOPMed 0.00001; gnomAD exomes 0.00002 and 0.00005; ExAC 0.00011.

Submissions (5):

Labcorp Genetics (formerly Invitae), Labcorp
Classification: Uncertain significance for POLD1-related polyposis and colorectal cancer syndrome. Last evaluated: 2026-01-30. Review status: criteria provided, single submitter. Criteria: Invitae Variant Classification Sherloc (09022015). Collection method: clinical testing. Allele origin: germline.
Comment: This sequence change replaces valine, which is neutral and non-polar, with leucine, which is neutral and non-polar, at codon 573 of the POLD1 protein (p.Val573Leu). This variant is present in population databases (rs760616076, gnomAD 0.01%). This variant has not been reported in the literature in individuals affected with POLD1-related conditions. ClinVar contains an entry for this variant (Variation ID: 469213). Invitae Evidence Modeling of protein sequence and biophysical properties (such as structural, functional, and spatial information, amino acid conservation, physicochemical variation, residue mobility, and thermodynamic stability) indicates that this missense variant is not expected to disrupt POLD1 protein function with a negative predictive value of 80%. In summary, the available evidence is currently insufficient to determine the role of this variant in disease. Therefore, it has been classified as a Variant of Uncertain Significance.

Center for Genomic Medicine, Rigshospitalet, Copenhagen University Hospital
Classification: Uncertain significance. Last evaluated: 2025-12-29. Review status: criteria provided, single submitter. Criteria: ACMG Guidelines, 2015. Collection method: clinical testing. Allele origin: germline.

Ambry Genetics
Classification: Likely benign for Hereditary cancer-predisposing syndrome. Last evaluated: 2024-10-17. Review status: criteria provided, single submitter. Criteria: Ambry Variant Classification Scheme 2023. Collection method: clinical testing. Allele origin: germline.

Clinical Genetics Laboratory, Skane University Hospital Lund
Classification: Uncertain significance. Last evaluated: 2022-06-10. Review status: criteria provided, single submitter. Criteria: ACMG Guidelines, 2015. Collection method: clinical testing. Allele origin: germline. Affected: yes.

Fulgent Genetics
Classification: Uncertain significance for POLD1-related polyposis and colorectal cancer syndrome; Mandibular hypoplasia-deafness-progeroid syndrome. Last evaluated: 2018-10-31. Review status: criteria provided, single submitter. Criteria: ACMG Guidelines, 2015. Collection method: clinical testing. Allele origin: unknown.